The following is an entry in ClinVar:

NM_001267550.2(TTN):c.89066G>A (p.Arg29689His)

Genes: TTN (titin; minus strand), TTN-AS1 (TTN antisense RNA 1; plus strand). Cytogenetic location: 2q31.2.
Variant type: single nucleotide variant.
Coding change: c.89066G>A on transcript NM_001267550.2 (MANE Select); coding-DNA position 89066, G replaced by A.
Protein change: p.Arg29689His; replaces arginine 29689 with histidine.
Molecular consequence: missense variant.
Genome position (GRCh38, 1-based): chr2:178,554,045, C>T on the plus strand (G>A on the coding strand, the complement: TTN is on the minus strand). VCF-style: chr2-178554045-C-T. GRCh37 (hg19) VCF-style: chr2-179418772-C-T.
Other names: c.84143G>A, p.Arg28048His (NM_001256850.1); c.61871G>A, p.Arg20624His (NM_003319.4); c.81362G>A, p.Arg27121His (NM_133378.4); c.62246G>A, p.Arg20749His (NM_133432.3); c.62447G>A, p.Arg20816His (NM_133437.4); short protein forms R29689H, R20749H, R27121H, R28048H, R20624H, R20816H.
Identifiers: ClinVar variation 404953 (VCV000404953.33), dbSNP rs368634670, ClinGen allele CA1987990.

ClinVar aggregate classification (germline): Uncertain significance. Review status: criteria provided, multiple submitters, no conflicts (2 of 4 stars). 6 submissions from 6 submitters: Uncertain significance (6). Last evaluated 2026-05-05.

Conditions:
Autosomal recessive limb-girdle muscular dystrophy type 2J (LGMDR10). Also called: Limb-girdle muscular dystrophy, type 2J; MUSCULAR DYSTROPHY, LIMB-GIRDLE, AUTOSOMAL RECESSIVE 10. Identifiers: Orphanet 140922, MedGen C1837342, MONDO:0012127, OMIM 608807.
Dilated cardiomyopathy 1G (CMD1G). Identifiers: Orphanet 154, MedGen C1858763, MONDO:0011400, OMIM 604145.
TTN-related disorder. Also called: TTN-related condition; TTN-related disease; TTN-related disorders.
Early-onset myopathy with fatal cardiomyopathy (CMYO5). Also called: CONGENITAL MYOPATHY 5 WITH CARDIOMYOPATHY; Salih Myopathy. Identifiers: Orphanet 289377, MedGen C2673677, MONDO:0012714, OMIM 611705. Disease mechanism: loss of function.
Hypertrophic cardiomyopathy 9. Also called: Familial hypertrophic cardiomyopathy 9. Identifiers: MedGen C1861065, MONDO:0013412, OMIM 613765.
Tibial muscular dystrophy (TMD). Also called: Tibial muscular dystrophy, tardive; Udd Distal Myopathy – Tibial Muscular Dystrophy; UDD MYOPATHY. Identifiers: Orphanet 609, MedGen C1838244, MONDO:0010870, OMIM 600334.
Myopathy, myofibrillar, 9, with early respiratory failure (MFM9). Also called: Myopathy, distal, with early respiratory failure, autosomal dominant; Hereditary myopathy with early respiratory failure; MYOPATHY, PROXIMAL, WITH EARLY RESPIRATORY MUSCLE INVOLVEMENT; EDSTROM MYOPATHY. Identifiers: Orphanet 178464, Orphanet 34521, MedGen C1863599, MONDO:0011362, OMIM 603689.

Allele frequency attached by ClinVar (database versions not stated): ExAC 0.00002; gnomAD exomes 0.00002 and 0.00004; ESP Exome Variant Server 0.00008; gnomAD 0.00011 and 0.00013; TOPMed 0.00012; 1000 Genomes Project 30x 0.00016; 1000 Genomes Project 0.00020.
gnomAD v4.1: 71 of 1,613,806 alleles (0.0044%); highest among the groups gnomAD compares: African/African-American, 0.02%; no homozygotes.

Submissions (6):

PreventionGenetics, part of Exact Sciences
Classification: Uncertain significance for TTN-related condition. Last evaluated: 2026-05-05. Review status: criteria provided, single submitter. Criteria: ACMG Guidelines, 2015. Collection method: clinical testing. Allele origin: germline.
Comment: The TTN c.89066G>A variant is predicted to result in the amino acid substitution p.Arg29689His. This variant, also described in g. nomenclature as 179418772, has been reported in one individual with dilated cardiomyopathy (Table S3, Mazzarotto. 2020. PubMed ID: 31983221). This variant is reported in 0.017% of alleles in individuals of African descent in gnomAD. At this time, the clinical significance of this variant is uncertain due to the absence of conclusive functional and genetic evidence.

Women's Health and Genetics/Laboratory Corporation of America, LabCorp
Classification: Uncertain significance. Last evaluated: 2026-02-23. Review status: criteria provided, single submitter. Criteria: LabCorp Variant Classification Summary - May 2015. Collection method: clinical testing. Allele origin: germline.
Comment: Variant summary: TTN c.81362G>A (p.Arg27121His) results in a non-conservative amino acid change located in the A-band region of the encoded protein sequence. Algorithms developed to predict the effect of missense changes on protein structure and function are either unavailable or do not agree on the potential impact of this missense change. The variant allele was found at a frequency of 2.4e-05 in 248570 control chromosomes (gnomAD). The available data on variant occurrences in the general population are insufficient to allow any conclusion about variant significance. c.81362G>A has been observed in individual(s) affected with Dilated Cardiomyopathy (Mazzarotto_2020). These report(s) do not provide unequivocal conclusions about association of the variant with Dilated Cardiomyopathy. To our knowledge, no experimental evidence demonstrating an impact on protein function has been reported. The following publication has been ascertained in the context of this evaluation (PMID: 31983221). ClinVar contains an entry for this variant (Variation ID: 404953). Based on the evidence outlined above, the variant was classified as uncertain significance.

Revvity Omics, Revvity
Classification: Uncertain significance. Last evaluated: 2025-03-18. Review status: criteria provided, single submitter. Criteria: ACMG Guidelines, 2015. Collection method: clinical testing. Allele origin: germline.

CeGaT Center for Human Genetics Tuebingen
Classification: Uncertain significance. Last evaluated: 2023-07-01. Review status: criteria provided, single submitter. Criteria: CeGaT Center For Human Genetics Tuebingen Variant Classification Criteria Version 2. Collection method: clinical testing. Allele origin: germline. Affected: yes. Observed: 1 variant allele.

Fulgent Genetics
Classification: Uncertain significance for Tibial muscular dystrophy; Myopathy, myofibrillar, 9, with early respiratory failure; Dilated cardiomyopathy 1G; Autosomal recessive limb-girdle muscular dystrophy type 2J; Early-onset myopathy with fatal cardiomyopathy; Hypertrophic cardiomyopathy 9. Last evaluated: 2021-12-27. Review status: criteria provided, single submitter. Criteria: ACMG Guidelines, 2015. Collection method: clinical testing. Allele origin: unknown.

Labcorp Genetics (formerly Invitae), Labcorp
Classification: Uncertain significance for Dilated cardiomyopathy 1G; Autosomal recessive limb-girdle muscular dystrophy type 2J. Last evaluated: 2016-11-26. Review status: criteria provided, single submitter. Criteria: Invitae Variant Classification Sherloc (09022015). Collection method: clinical testing. Allele origin: germline.

Literature cited by the submitters: PubMed 31983221 (cited by Women's Health and Genetics/Laboratory Corporation of America, LabCorp).